The following is an entry in ClinVar:

NM_014946.4(SPAST):c.346G>A (p.Val116Ile)

Gene: SPAST (spastin; plus strand). Cytogenetic location: 2p22.3.
Variant type: single nucleotide variant.
Coding change: c.346G>A on transcript NM_014946.4 (MANE Select); coding-DNA position 346, G replaced by A.
Protein change: p.Val116Ile; replaces valine 116 with isoleucine.
Molecular consequence: missense variant.
Genome position (GRCh38, 1-based): chr2:32,064,177, G>A. VCF-style: chr2-32064177-G-A. GRCh37 (hg19) VCF-style: chr2-32289246-G-A.
Other names: c.346G>A, p.Val116Ile (NM_001363823.2, NM_001363875.2, NM_001377959.1 and 1 more transcripts); short protein forms V116I.
Identifiers: ClinVar variation 3902963 (VCV003902963.1).

ClinVar aggregate classification (germline): Uncertain significance (1 of 4 stars; one submission).

Submission:

GeneDx
Classification: Uncertain significance. Last evaluated: 2024-12-13. Review status: criteria provided, single submitter. Criteria: GeneDx Variant Classification Process June 2021. Collection method: clinical testing. Allele origin: germline. Affected: yes.
Comment: Not observed at significant frequency in large population cohorts (gnomAD); In silico analysis indicates that this missense variant does not alter protein structure/function; Has not been previously published as pathogenic or benign to our knowledge